The following is an entry in ClinVar:

ClinVar aggregate classification (germline): Uncertain significance (1 of 4 stars; one submission).

gnomAD v4.1: 1 of 1,614,042 alleles (0.000062%); highest among the groups gnomAD compares: Non-Finnish European, 0.000085%; no homozygotes.

Submission:

Ambry Genetics
Classification: Uncertain significance. Last evaluated: 2026-03-23. Review status: criteria provided, single submitter. Criteria: Ambry Variant Classification Scheme 2023. Collection method: clinical testing. Allele origin: germline.
Comment: The p.A309T variant (also known as c.925G>A), located in coding exon 1 of the TET2 gene, results from a G to A substitution at nucleotide position 925. The alanine at codon 309 is replaced by threonine, an amino acid with similar properties. This amino acid position is conserved. In addition, this alteration is predicted to be tolerated by in silico analysis. Based on the available evidence, the clinical significance of this variant remains unclear.

NM_001127208.3(TET2):c.925G>A (p.Ala309Thr)

Genes: TET2 (tet methylcytosine dioxygenase 2; plus strand), TET2-AS1 (TET2 antisense RNA 1; minus strand). Cytogenetic location: 4q24.
Variant type: single nucleotide variant.
Coding change: c.925G>A on transcript NM_001127208.3 (MANE Select); coding-DNA position 925, G replaced by A.
Protein change: p.Ala309Thr; replaces alanine 309 with threonine.
Molecular consequence: missense variant.
Genome position (GRCh38, 1-based): chr4:105,234,867, G>A. VCF-style: chr4-105234867-G-A. GRCh37 (hg19) VCF-style: chr4-106156024-G-A.
Other names: c.925G>A, p.Ala309Thr (NM_017628.4); short protein forms A309T.
Identifiers: ClinVar variation 4865507 (VCV004865507.1).
Genomic context (GRCh38, chr4:105,234,867, plus strand): 5'-GCTGCAGTGGTGAGTGAGGCCTGTGATGCTGATGATGCTGATAATGCCAGTAAACTAGCT[G>A]CAATGCTAAATACCTGTTCCTTTCAGAAACCAGAACAACTACAACAACAAAAATCAGTTT-3'
Protein context (NP_001120680.1, residues 299-319): DDADNASKLA[Ala309Thr]MLNTCSFQKP